The following is an entry in ClinVar:

NM_017491.5(WDR1):c.594T>A (p.Ser198=)

Gene: WDR1 (WD repeat domain 1; minus strand). Cytogenetic location: 4p16.1.
Variant type: single nucleotide variant.
Coding change: c.594T>A on transcript NM_017491.5 (MANE Select); coding-DNA position 594, T replaced by A.
Protein change: p.Ser198=; no amino-acid change (serine 198 retained).
Molecular consequence: synonymous variant.
Genome position (GRCh38, 1-based): chr4:10,088,706, A>T on the plus strand (T>A on the coding strand, the complement: WDR1 is on the minus strand). VCF-style: chr4-10088706-A-T. GRCh37 (hg19) VCF-style: chr4-10090330-A-T.
Other names: c.174T>A, p.Ser58= (NM_005112.5).
Identifiers: ClinVar variation 1695092 (VCV001695092.32), dbSNP rs1711763361, ClinGen allele CA438533915.

ClinVar aggregate classification (germline): Likely benign. Review status: criteria provided, multiple submitters, no conflicts (2 of 4 stars). 2 submissions from 2 submitters: Likely benign (2). Last evaluated 2025-11-02.

Allele frequency attached by ClinVar (database versions not stated): TOPMed below 0.00001; gnomAD 0.00001; gnomAD exomes 0.00001.
gnomAD v4.1: 4 of 1,607,616 alleles (0.00025%); highest among the groups gnomAD compares: Non-Finnish European, 0.00034%; no homozygotes.

Submissions (2):

Labcorp Genetics (formerly Invitae), Labcorp
Classification: Likely benign. Last evaluated: 2025-11-02. Review status: criteria provided, single submitter. Criteria: Invitae Variant Classification Sherloc (09022015). Collection method: clinical testing. Allele origin: germline.

CeGaT Center for Human Genetics Tuebingen
Classification: Likely benign. Last evaluated: 2022-04-01. Review status: criteria provided, single submitter. Criteria: CeGaT Center For Human Genetics Tuebingen Variant Classification Criteria Version 2. Collection method: clinical testing. Allele origin: germline. Affected: yes. Observed: 1 variant allele.
Comment: WDR1: BP4, BP7